The following is an entry in ClinVar:

ClinVar aggregate classification (germline): Uncertain significance. Review status: criteria provided, multiple submitters, no conflicts (2 of 4 stars). 2 submissions from 2 submitters: Uncertain significance (2). Last evaluated 2023-09-22.

Conditions:
Inborn genetic diseases. Identifiers: MedGen C0950123, MeSH D030342.

Allele frequency attached by ClinVar (database versions not stated): TOPMed 0.00003; gnomAD 0.00005 and 0.00006; ExAC 0.00013; 1000 Genomes Project 30x 0.00016; 1000 Genomes Project 0.00020.
gnomAD v4.1: 46 of 1,606,830 alleles (0.0029%); highest among the groups gnomAD compares: East Asian, 0.098%; no homozygotes.

Submissions (2):

Ambry Genetics
Classification: Uncertain significance for Inborn genetic diseases. Last evaluated: 2023-09-22. Review status: criteria provided, single submitter. Criteria: Ambry Variant Classification Scheme 2023. Collection method: clinical testing. Allele origin: germline.

Labcorp Genetics (formerly Invitae), Labcorp
Classification: Uncertain significance. Last evaluated: 2022-01-27. Review status: criteria provided, single submitter. Criteria: Invitae Variant Classification Sherloc (09022015). Collection method: clinical testing. Allele origin: germline.
Comment: This sequence change replaces glutamic acid, which is acidic and polar, with glutamine, which is neutral and polar, at codon 510 of the GTPBP3 protein (p.Glu510Gln). This variant is present in population databases (rs538595233, gnomAD 0.1%). This variant has not been reported in the literature in individuals affected with GTPBP3-related conditions. Algorithms developed to predict the effect of missense changes on protein structure and function (SIFT, PolyPhen-2, Align-GVGD) all suggest that this variant is likely to be disruptive. In summary, the available evidence is currently insufficient to determine the role of this variant in disease. Therefore, it has been classified as a Variant of Uncertain Significance.

NM_032620.4(GTPBP3):c.1432G>C (p.Glu478Gln)

Gene: GTPBP3 (GTP binding protein 3, mitochondrial; plus strand). Cytogenetic location: 19p13.11.
Variant type: single nucleotide variant.
Coding change: c.1432G>C on transcript NM_032620.4 (MANE Select); coding-DNA position 1432, G replaced by C.
Protein change: p.Glu478Gln; replaces glutamic acid 478 with glutamine.
Molecular consequence: missense variant.
Genome position (GRCh38, 1-based): chr19:17,341,656, G>C. VCF-style: chr19-17341656-G-C. GRCh37 (hg19) VCF-style: chr19-17452465-G-C.
Other names: c.1369G>C, p.Glu457Gln (NM_001128855.3); c.1498G>C, p.Glu500Gln (NM_001195422.1); c.1528G>C, p.Glu510Gln (NM_133644.4); c.1528G>C (NM_133644.3); short protein forms E457Q, E510Q, E500Q, E478Q.
Identifiers: ClinVar variation 1521464 (VCV001521464.4), dbSNP rs538595233, ClinGen allele CA9293736.